The following is an entry in ClinVar:

NM_020207.7(ERCC6L2):c.1394C>G (p.Ala465Gly)

Gene: ERCC6L2 (ERCC excision repair 6 like 2; plus strand). Cytogenetic location: 9q22.32.
Variant type: single nucleotide variant.
Coding change: c.1394C>G on transcript NM_020207.7 (MANE Select); coding-DNA position 1394, C replaced by G.
Protein change: p.Ala465Gly; replaces alanine 465 with glycine.
Molecular consequence: missense variant. On other transcripts: non-coding transcript variant (1).
Genome position (GRCh38, 1-based): chr9:95,922,399, C>G. VCF-style: chr9-95922399-C-G. GRCh37 (hg19) VCF-style: chr9-98684681-C-G.
Other names: c.1394C>G, p.Ala465Gly (NM_001010895.4, NM_001375291.1, NM_001375292.1 and 2 more transcripts); short protein forms A465G.
Identifiers: ClinVar variation 2803185 (VCV002803185.3), dbSNP rs940428398, ClinGen allele CA196575113.

ClinVar aggregate classification (germline): Uncertain significance. Review status: criteria provided, multiple submitters, no conflicts (2 of 4 stars). 2 submissions from 2 submitters: Uncertain significance (2). Last evaluated 2025-03-24.

Conditions:
Inborn genetic diseases. Identifiers: MedGen C0950123, MeSH D030342.

Allele frequency attached by ClinVar (database versions not stated): gnomAD 0.00001; gnomAD exomes 0.00001; TOPMed 0.00001.
gnomAD v4.1: 10 of 1,607,622 alleles (0.00062%); highest among the groups gnomAD compares: South Asian, 0.0022%; no homozygotes.

Submissions (2):

Ambry Genetics
Classification: Uncertain significance for Inborn genetic diseases. Last evaluated: 2025-03-24. Review status: criteria provided, single submitter. Criteria: Ambry Variant Classification Scheme 2023. Collection method: clinical testing. Allele origin: germline.
Comment: The p.A465G variant (also known as c.1394C>G), located in coding exon 8 of the ERCC6L2 gene, results from a C to G substitution at nucleotide position 1394. The alanine at codon 465 is replaced by glycine, an amino acid with similar properties. This amino acid position is conserved. In addition, this alteration is predicted to be tolerated by in silico analysis. Based on the available evidence, the clinical significance of this variant remains unclear.

Labcorp Genetics (formerly Invitae), Labcorp
Classification: Uncertain significance. Last evaluated: 2024-10-02. Review status: criteria provided, single submitter. Criteria: Invitae Variant Classification Sherloc (09022015). Collection method: clinical testing. Allele origin: germline.
Comment: This sequence change replaces alanine, which is neutral and non-polar, with glycine, which is neutral and non-polar, at codon 476 of the ERCC6L2 protein (p.Ala476Gly). This variant is present in population databases (no rsID available, gnomAD 0.002%). This variant has not been reported in the literature in individuals affected with ERCC6L2-related conditions. Experimental studies and prediction algorithms are not available or were not evaluated, and the functional significance of this variant is currently unknown. In summary, the available evidence is currently insufficient to determine the role of this variant in disease. Therefore, it has been classified as a Variant of Uncertain Significance.